The following is an entry in ClinVar:

ClinVar aggregate classification (germline): Uncertain significance. Review status: criteria provided, multiple submitters, no conflicts (2 of 4 stars). 2 submissions from 2 submitters: Uncertain significance (2). Last evaluated 2025-11-23.

Conditions:
Inborn genetic diseases. Identifiers: MedGen C0950123, MeSH D030342.
Baller-Gerold syndrome (BGS). Also called: CRANIOSYNOSTOSIS WITH RADIAL DEFECTS. Identifiers: Orphanet 1225, MedGen C0265308, MONDO:0009039, OMIM 218600.

Allele frequency attached by ClinVar (database versions not stated): gnomAD exomes below 0.00001; ExAC 0.00001.
gnomAD v4.1: 1 of 1,607,326 alleles (0.000062%); highest among the groups gnomAD compares: Admixed American, 0.0017%; no homozygotes.

Submissions (2):

Labcorp Genetics (formerly Invitae), Labcorp
Classification: Uncertain significance for Baller-Gerold syndrome. Last evaluated: 2025-11-23. Review status: criteria provided, single submitter. Criteria: Invitae Variant Classification Sherloc (09022015). Collection method: clinical testing. Allele origin: germline.
Comment: This sequence change replaces tryptophan, which is neutral and slightly polar, with glycine, which is neutral and non-polar, at codon 78 of the RECQL4 protein (p.Trp78Gly). This variant is present in population databases (rs768539707, gnomAD 0.003%). This variant has not been reported in the literature in individuals affected with RECQL4-related conditions. ClinVar contains an entry for this variant (Variation ID: 1414824). Invitae Evidence Modeling of protein sequence and biophysical properties (such as structural, functional, and spatial information, amino acid conservation, physicochemical variation, residue mobility, and thermodynamic stability) indicates that this missense variant is expected to disrupt RECQL4 protein function with a positive predictive value of 80%. In summary, the available evidence is currently insufficient to determine the role of this variant in disease. Therefore, it has been classified as a Variant of Uncertain Significance.

Ambry Genetics
Classification: Uncertain significance for Inborn genetic diseases. Last evaluated: 2025-10-02. Review status: criteria provided, single submitter. Criteria: Ambry Variant Classification Scheme 2023. Collection method: clinical testing. Allele origin: germline.
Comment: The p.W78G variant (also known as c.232T>G), located in coding exon 4 of the RECQL4 gene, results from a T to G substitution at nucleotide position 232. The tryptophan at codon 78 is replaced by glycine, an amino acid with highly dissimilar properties. This amino acid position is conserved. In addition, the in silico prediction for this alteration is inconclusive. Based on the available evidence, the clinical significance of this variant remains unclear.

NM_004260.4(RECQL4):c.232T>G (p.Trp78Gly)

Gene: RECQL4 (RecQ like helicase 4; minus strand). Cytogenetic location: 8q24.3.
Variant type: single nucleotide variant.
Coding change: c.232T>G on transcript NM_004260.4 (MANE Select); coding-DNA position 232, T replaced by G.
Protein change: p.Trp78Gly; replaces tryptophan 78 with glycine.
Molecular consequence: missense variant.
Genome position (GRCh38, 1-based): chr8:144,517,172, A>C on the plus strand (T>G on the coding strand, the complement: RECQL4 is on the minus strand). VCF-style: chr8-144517172-A-C. GRCh37 (hg19) VCF-style: chr8-145742556-A-C.
Other names: c.232T>G (NM_004260.3); short protein forms W78G.
Identifiers: ClinVar variation 1414824 (VCV001414824.7), dbSNP rs768539707, ClinGen allele CA4949412.